The following is an entry in ClinVar:

ClinVar aggregate classification (germline): Benign/Likely benign. Review status: criteria provided, multiple submitters, no conflicts (2 of 4 stars). 6 submissions from 6 submitters: Benign (1); Likely benign (5). Last evaluated 2026-01-05.

Conditions:
Hereditary cancer-predisposing syndrome. Also called: Tumor predisposition; Hereditary neoplastic syndrome; Neoplastic Syndromes, Hereditary; Hereditary Cancer Syndrome. Identifiers: Orphanet 140162, MedGen C0027672, MeSH D009386, MONDO:0015356.
Hereditary nonpolyposis colorectal neoplasms. Identifiers: MedGen C0009405, MeSH D003123.
Lynch syndrome 4 (LYNCH4). Also called: Colorectal cancer, hereditary nonpolyposis, type 4; Hereditary non-polyposis colorectal cancer, type 4. Identifiers: Orphanet 144, MedGen C1838333, MONDO:0013699, OMIM 614337. Disease mechanism: loss of function.

Allele frequency attached by ClinVar (database versions not stated): TOPMed below 0.00001.

Submissions (6):

Labcorp Genetics (formerly Invitae), Labcorp
Classification: Likely benign for Hereditary nonpolyposis colorectal neoplasms. Last evaluated: 2026-01-05. Review status: criteria provided, single submitter. Criteria: Invitae Variant Classification Sherloc (09022015). Collection method: clinical testing. Allele origin: germline.

Myriad Genetics, Inc.
Classification: Benign for Lynch syndrome 4. Last evaluated: 2025-02-04. Review status: criteria provided, single submitter. Criteria: Myriad Autosomal Dominant, Autosomal Recessive and X-Linked Classification Criteria (2023). Collection method: clinical testing. Allele origin: unknown.
Comment: This variant is considered benign. This variant is a silent/synonymous amino acid change and it is not expected to impact splicing.

Color Diagnostics, LLC DBA Color Health
Classification: Likely benign for Hereditary cancer-predisposing syndrome. Last evaluated: 2024-08-19. Review status: criteria provided, single submitter. Criteria: ACMG Guidelines, 2015. Collection method: clinical testing. Allele origin: germline.

Women's Health and Genetics/Laboratory Corporation of America, LabCorp
Classification: Likely benign. Last evaluated: 2020-01-31. Review status: criteria provided, single submitter. Criteria: LabCorp Variant Classification Summary - May 2015. Collection method: clinical testing. Allele origin: germline.

Ambry Genetics
Classification: Likely benign for Hereditary cancer-predisposing syndrome. Last evaluated: 2018-10-03. Review status: criteria provided, single submitter. Criteria: Ambry Variant Classification Scheme 2023. Collection method: clinical testing. Allele origin: germline.

GeneDx
Classification: Likely benign. Last evaluated: 2015-12-02. Review status: criteria provided, single submitter. Criteria: GeneDx Variant Classification (06012015). Collection method: clinical testing. Allele origin: germline. Affected: yes.
Comment: This variant is considered likely benign or benign based on one or more of the following criteria: it is a conservative change, it occurs at a poorly conserved position in the protein, it is predicted to be benign by multiple in silico algorithms, and/or has population frequency not consistent with disease.

NM_000535.7(PMS2):c.2382T>C (p.Pro794=)

Gene: PMS2 (PMS1 homolog 2, mismatch repair system component; minus strand). Cytogenetic location: 7p22.1.
Variant type: single nucleotide variant.
Coding change: c.2382T>C on transcript NM_000535.7 (MANE Select); coding-DNA position 2382, T replaced by C.
Protein change: p.Pro794=; no amino-acid change (proline 794 retained).
Molecular consequence: synonymous variant. On other transcripts: non-coding transcript variant (1).
Genome position (GRCh38, 1-based): chr7:5,977,651, A>G on the plus strand (T>C on the coding strand, the complement: PMS2 is on the minus strand). VCF-style: chr7-5977651-A-G. GRCh37 (hg19) VCF-style: chr7-6017282-A-G.
Other names: c.1977T>C, p.Pro659= (NM_001322003.2, NM_001322004.2, NM_001322005.2); c.2226T>C, p.Pro742= (NM_001322006.2); c.2064T>C, p.Pro688= (NM_001322007.2, NM_001322008.2); c.2010T>C, p.Pro670= (NM_001322009.2); c.1821T>C, p.Pro607= (NM_001322010.2); c.1449T>C, p.Pro483= (NM_001322011.2, NM_001322012.2); c.1809T>C, p.Pro603= (NM_001322013.2); c.2415T>C, p.Pro805= (NM_001322014.2); and 1 more.
Identifiers: ClinVar variation 382163 (VCV000382163.19), dbSNP rs1057521269, ClinGen allele CA16605343.